The following is an entry in ClinVar:

NM_004370.6(COL12A1):c.9050C>T (p.Thr3017Ile)

Gene: COL12A1 (collagen type XII alpha 1 chain; minus strand). Cytogenetic location: 6q13.
Variant type: single nucleotide variant.
Coding change: c.9050C>T on transcript NM_004370.6 (MANE Select); coding-DNA position 9050, C replaced by T.
Protein change: p.Thr3017Ile; replaces threonine 3017 with isoleucine.
Molecular consequence: missense variant.
Genome position (GRCh38, 1-based): chr6:75,087,708, G>A on the plus strand (C>T on the coding strand, the complement: COL12A1 is on the minus strand). VCF-style: chr6-75087708-G-A. GRCh37 (hg19) VCF-style: chr6-75797424-G-A.
Other names: c.5558C>T, p.Thr1853Ile (NM_080645.3); short protein forms T1853I, T3017I.
Identifiers: ClinVar variation 1007281 (VCV001007281.9), dbSNP rs1767573014, ClinGen allele CA364733070.

ClinVar aggregate classification (germline): Uncertain significance (1 of 4 stars; one submission).

Conditions:
Ullrich congenital muscular dystrophy 2 (UCMD2). Identifiers: Orphanet 75840, MedGen C4225314, MONDO:0014654, OMIM 616470.
Bethlem myopathy 2 (BTHLM2). Identifiers: Orphanet 536516, Orphanet 610, MedGen C4225313, MONDO:0034022, OMIM 616471.

Allele frequency attached by ClinVar (database versions not stated): gnomAD exomes 0.00001.
gnomAD v4.1: 12 of 1,606,112 alleles (0.00075%); highest among the groups gnomAD compares: Non-Finnish European, 0.001%; no homozygotes.

Submission:

Labcorp Genetics (formerly Invitae), Labcorp
Classification: Uncertain significance for Bethlem myopathy 2; Ullrich congenital muscular dystrophy 2. Last evaluated: 2020-06-26. Review status: criteria provided, single submitter. Criteria: Invitae Variant Classification Sherloc (09022015). Collection method: clinical testing. Allele origin: germline.
Comment: This variant is not present in population databases (ExAC no frequency). In summary, the available evidence is currently insufficient to determine the role of this variant in disease. Therefore, it has been classified as a Variant of Uncertain Significance. Algorithms developed to predict the effect of missense changes on protein structure and function are either unavailable or do not agree on the potential impact of this missense change (SIFT: "Deleterious"; PolyPhen-2: "Probably Damaging"; Align-GVGD: "Class C0"). This variant has not been reported in the literature in individuals with COL12A1-related conditions. This sequence change replaces threonine with isoleucine at codon 3017 of the COL12A1 protein (p.Thr3017Ile). The threonine residue is highly conserved and there is a moderate physicochemical difference between threonine and isoleucine.